The following is an entry in ClinVar:

NM_024334.3(TMEM43):c.471C>G (p.Asn157Lys)

Gene: TMEM43 (transmembrane protein 43; plus strand). Cytogenetic location: 3p25.1.
Variant type: single nucleotide variant.
Coding change: c.471C>G on transcript NM_024334.3 (MANE Select); coding-DNA position 471, C replaced by G.
Protein change: p.Asn157Lys; replaces asparagine 157 with lysine.
Molecular consequence: missense variant.
Genome position (GRCh38, 1-based): chr3:14,132,894, C>G. VCF-style: chr3-14132894-C-G. GRCh37 (hg19) VCF-style: chr3-14174394-C-G.
Other names: c.474C>G, p.Asn158Lys (NM_001407274.1); c.471C>G, p.Asn157Lys (NM_001407275.1, NM_001407276.1, NM_001407277.1 and 1 more transcripts); c.456C>G, p.Asn152Lys (NM_001407278.1); c.321C>G, p.Asn107Lys (NM_001407280.1); short protein forms N107K, N152K, N157K, N158K.
Identifiers: ClinVar variation 3893771 (VCV003893771.1).
Genomic context (GRCh38, chr3:14,132,894, plus strand): 5'-CGGGCTCTGAGTTGATTCCTCTCCCTGAGCAGACACTGAATGGAGGTCAGAAATCATCAA[C>G]AGCAAAAACTTCGACCGAGAGATTGGCCACAAAAACCCCAGGTGAGAGCCAGGCCCAAGG-3'
Protein context (NP_077310.1, residues 147-167): YNTEWRSEII[Asn157Lys]SKNFDREIGH

ClinVar aggregate classification (germline): Uncertain significance (1 of 4 stars; one submission).

Conditions:
Cardiomyopathy (CMYO). Also called: Cardiomyopathies. Identifiers: Orphanet 167848, MedGen C0878544, MONDO:0004994, HP:0001638. Inheritance: Various modes of inheritance.

gnomAD v4.1: 1 of 1,614,086 alleles (0.000062%); highest among the groups gnomAD compares: Non-Finnish European, 0.000085%; no homozygotes.

Submission:

Color Diagnostics, LLC DBA Color Health
Classification: Uncertain significance for Cardiomyopathy. Last evaluated: 2024-04-15. Review status: criteria provided, single submitter. Criteria: ACMG Guidelines, 2015. Collection method: clinical testing. Allele origin: germline.
Comment: This missense variant replaces asparagine with lysine at codon 157 of the TMEM43 protein. Computational prediction suggests that this variant may not impact protein structure and function (internally defined REVEL score threshold <= 0.5, PMID: 27666373). To our knowledge, functional studies have not been reported for this variant. This variant has not been reported in individuals affected with TMEM43-related disorders in the literature. This variant has not been identified in the general population by the Genome Aggregation Database (gnomAD). The available evidence is insufficient to determine the role of this variant in disease conclusively. Therefore, this variant is classified as a Variant of Uncertain Significance.